The following is an entry in ClinVar:

ClinVar aggregate classification (germline): Uncertain significance (1 of 4 stars; one submission).

gnomAD v4.1: 2 of 1,614,020 alleles (0.00012%); highest among the groups gnomAD compares: Non-Finnish European, 0.00017%; no homozygotes.

Submission:

Labcorp Genetics (formerly Invitae), Labcorp
Classification: Uncertain significance. Last evaluated: 2025-02-06. Review status: criteria provided, single submitter. Criteria: Invitae Variant Classification Sherloc (09022015). Collection method: clinical testing. Allele origin: germline.
Comment: This sequence change replaces leucine, which is neutral and non-polar, with arginine, which is basic and polar, at codon 15 of the C8B protein (p.Leu15Arg). This variant is not present in population databases (gnomAD no frequency). This variant has not been reported in the literature in individuals affected with C8B-related conditions. An algorithm developed to predict the effect of missense changes on protein structure and function (PolyPhen-2) suggests that this variant is likely to be tolerated. In summary, the available evidence is currently insufficient to determine the role of this variant in disease. Therefore, it has been classified as a Variant of Uncertain Significance.

NM_000066.4(C8B):c.44T>G (p.Leu15Arg)

Gene: C8B (complement C8 beta chain; minus strand). Cytogenetic location: 1p32.2.
Variant type: single nucleotide variant.
Coding change: c.44T>G on transcript NM_000066.4 (MANE Select); coding-DNA position 44, T replaced by G.
Protein change: p.Leu15Arg; replaces leucine 15 with arginine.
Molecular consequence: missense variant. On other transcripts: 5 prime UTR variant (2).
Genome position (GRCh38, 1-based): chr1:56,965,905, A>C on the plus strand (T>G on the coding strand, the complement: C8B is on the minus strand). VCF-style: chr1-56965905-A-C. GRCh37 (hg19) VCF-style: chr1-57431578-A-C.
Other names: c.-335T>G (NM_001278543.2); c.-272T>G (NM_001278544.2); short protein forms L15R.
Identifiers: ClinVar variation 4809955 (VCV004809955.1).